The following is an entry in ClinVar:

ClinVar aggregate classification (germline): Uncertain significance (1 of 4 stars; one submission).

gnomAD v4.1: 2 of 1,614,064 alleles (0.00012%); highest among the groups gnomAD compares: Admixed American, 0.0017%; no homozygotes.

Submission:

Women's Health and Genetics/Laboratory Corporation of America, LabCorp
Classification: Uncertain significance. Last evaluated: 2024-07-24. Review status: criteria provided, single submitter. Criteria: LabCorp Variant Classification Summary - May 2015. Collection method: clinical testing. Allele origin: germline.
Comment: Variant summary: POLG c.3520C>A (p.Pro1174Thr) results in a non-conservative amino acid change located in the DNA polymerase gamma, palm domain (IPR047580) of the encoded protein sequence. Five of five in-silico tools predict a damaging effect of the variant on protein function. The variant allele was found at a frequency of 4e-06 in 251478 control chromosomes (gnomAD). The available data on variant occurrences in the general population are insufficient to allow any conclusion about variant significance. c.3520C>A has been reported in the literature in at least an individual affected with POLG-related conditions (example: Bychkov_2021) . These data do not allow any conclusion about variant significance. To our knowledge, no experimental evidence demonstrating an impact on protein function has been reported. The following publication has been ascertained in the context of this evaluation (PMID: 33486010). No submitters have cited clinical-significance assessments for this variant to ClinVar. Based on the evidence outlined above, the variant was classified as uncertain significance.

Literature cited by the submitters: PubMed 33486010.

NM_002693.3(POLG):c.3520C>A (p.Pro1174Thr)

Gene: POLG (DNA polymerase gamma, catalytic subunit; minus strand). Cytogenetic location: 15q26.1.
Variant type: single nucleotide variant.
Coding change: c.3520C>A on transcript NM_002693.3 (MANE Select); coding-DNA position 3520, C replaced by A.
Protein change: p.Pro1174Thr; replaces proline 1174 with threonine.
Molecular consequence: missense variant.
Genome position (GRCh38, 1-based): chr15:89,317,499, G>T on the plus strand (C>A on the coding strand, the complement: POLG is on the minus strand). VCF-style: chr15-89317499-G-T. GRCh37 (hg19) VCF-style: chr15-89860730-G-T.
Other names: c.3520C>A, p.Pro1174Thr (NM_001126131.2); short protein forms P1174T.
Identifiers: ClinVar variation 3339338 (VCV003339338.1).